The following is an entry in ClinVar:

NM_000701.8(ATP1A1):c.1660+9A>G

Genes: ATP1A1 (ATPase Na+/K+ transporting subunit alpha 1; plus strand), ATP1A1-AS1 (ATP1A1 antisense RNA 1; minus strand). Cytogenetic location: 1p13.1.
Variant type: single nucleotide variant.
Coding change: c.1660+9A>G on transcript NM_000701.8 (MANE Select); 9 bases into the intron after coding-DNA position 1660, A replaced by G.
Molecular consequence: intron variant.
Genome position (GRCh38, 1-based): chr1:116,393,732, A>G. VCF-style: chr1-116393732-A-G. GRCh37 (hg19) VCF-style: chr1-116936354-A-G.
Other names: c.1660+9A>G (NM_001160233.2); c.1567+9A>G (NM_001160234.2).
Identifiers: ClinVar variation 3674746 (VCV003674746.2).

ClinVar aggregate classification (germline): Uncertain significance (1 of 4 stars; one submission).

gnomAD v4.1: 7 of 1,610,970 alleles (0.00043%); highest among the groups gnomAD compares: Non-Finnish European, 0.00059%; no homozygotes.

Submission:

Labcorp Genetics (formerly Invitae), Labcorp
Classification: Uncertain significance. Last evaluated: 2024-04-29. Review status: criteria provided, single submitter. Criteria: Invitae Variant Classification Sherloc (09022015). Collection method: clinical testing. Allele origin: germline.
Comment: This sequence change falls in intron 12 of the ATP1A1 gene. It does not directly change the encoded amino acid sequence of the ATP1A1 protein. This variant is not present in population databases (gnomAD no frequency). This variant has not been reported in the literature in individuals affected with ATP1A1-related conditions. Algorithms developed to predict the effect of sequence changes on RNA splicing suggest that this variant may create or strengthen a splice site. In summary, the available evidence is currently insufficient to determine the role of this variant in disease. Therefore, it has been classified as a Variant of Uncertain Significance.